The following is an entry in ClinVar:

NM_004444.5(EPHB4):c.2670G>T (p.Glu890Asp)

Genes: EPHB4 (EPH receptor B4; minus strand), LOC126860124 (CDK7 strongly-dependent group 2 enhancer GRCh37_chr7:100403701-100404900; plus strand). Cytogenetic location: 7q22.1.
Variant type: single nucleotide variant.
Coding change: c.2670G>T on transcript NM_004444.5 (MANE Select); coding-DNA position 2670, G replaced by T.
Protein change: p.Glu890Asp; replaces glutamic acid 890 with aspartic acid.
Molecular consequence: missense variant.
Genome position (GRCh38, 1-based): chr7:100,805,509, C>A on the plus strand (G>T on the coding strand, the complement: EPHB4 is on the minus strand). VCF-style: chr7-100805509-C-A. GRCh37 (hg19) VCF-style: chr7-100403131-C-A.
Other names: p.Glu890Asp; short protein forms E890D.
Identifiers: ClinVar variation 774194 (VCV000774194.53), dbSNP rs35638378, ClinGen allele CA4392584.

ClinVar aggregate classification (germline): Benign/Likely benign. Review status: criteria provided, multiple submitters, no conflicts (2 of 4 stars). 6 submissions from 6 submitters: Benign (5); Likely benign (1). Last evaluated 2026-07-01.

Conditions:
Cardiovascular phenotype. Identifiers: MedGen CN230736.

Allele frequency attached by ClinVar (database versions not stated): 1000 Genomes Project 0.00260; 1000 Genomes Project 30x 0.00281; gnomAD 0.00536 and 0.00547; gnomAD exomes 0.00563; TOPMed 0.00572; ExAC 0.00638; ESP Exome Variant Server 0.00669.
gnomAD v4.1: 11,473 of 1,521,620 alleles (0.75%); highest among the groups gnomAD compares: Non-Finnish European, 0.91%; 50 homozygotes.

Submissions (6):

CeGaT Center for Human Genetics Tuebingen
Classification: Benign. Last evaluated: 2026-07-01. Review status: criteria provided, single submitter. Criteria: CeGaT Center For Human Genetics Tuebingen Variant Classification Criteria Version 2. Collection method: clinical testing. Allele origin: germline. Affected: yes. Observed: 8 variant alleles.
Comment: EPHB4: BS1, BS2

Labcorp Genetics (formerly Invitae), Labcorp
Classification: Benign. Last evaluated: 2026-01-19. Review status: criteria provided, single submitter. Criteria: Invitae Variant Classification Sherloc (09022015). Collection method: clinical testing. Allele origin: germline.

ARUP Laboratories, Molecular Genetics and Genomics, ARUP Laboratories
Classification: Benign. Last evaluated: 2025-07-30. Review status: criteria provided, single submitter. Criteria: ARUP Molecular Germline Variant Investigation Process 2024. Collection method: clinical testing. Allele origin: germline.

Mayo Clinic Laboratories, Mayo Clinic
Classification: Benign. Last evaluated: 2023-01-31. Review status: criteria provided, single submitter. Criteria: ACMG Guidelines, 2015. Collection method: clinical testing. Allele origin: germline. Observed: 13 variant alleles.
Comment: BS1, BS2, BP4

Ambry Genetics
Classification: Benign for Cardiovascular phenotype. Last evaluated: 2020-01-21. Review status: criteria provided, single submitter. Criteria: Ambry Variant Classification Scheme 2023. Collection method: clinical testing. Allele origin: germline.

Breakthrough Genomics
Classification: Likely benign. Review status: criteria provided, single submitter. Criteria: ACMG Guidelines, 2015. Collection method: not provided. Allele origin: germline. Inheritance: Autosomal dominant inheritance. Affected: yes.